The following is an entry in ClinVar:

ClinVar aggregate classification (germline): Uncertain significance (1 of 4 stars; one submission).

Allele frequency attached by ClinVar (database versions not stated): gnomAD 0.00001; TOPMed 0.00001 and below 0.00001.
gnomAD v4.1: 4 of 1,461,022 alleles (0.00027%); highest among the groups gnomAD compares: East Asian, 0.0024%; no homozygotes.

Submission:

GeneDx
Classification: Uncertain significance. Last evaluated: 2014-08-11. Review status: criteria provided, single submitter. Criteria: GeneDx Variant Classification (06012015). Collection method: clinical testing. Allele origin: germline. Affected: yes.
Comment: The R8L variant has not been published as a mutation, nor has it been reported as a benign polymorphism to our knowledge. It was not observed in approximately 5,300 individuals of European and African American ancestry in the NHLBI Exome Sequencing Project, indicating it is not a common benign variant in these populations. The R8L variant is a non-conservative amino acid substitution, which is likely to impact secondary protein structure as these residues differ in polarity, charge, size and/or other properties This substitution occurs at a position that is conserved in mammals in the signal peptide region of the NRXN1 protein; however, this position is not conserved in more distantly related species. In addition, in silico analysis predicts this variant likely does not alter the protein structure/function. Therefore, based on the currently available information, it is unclear whether this variant is a pathogenic mutation or a rare benign variant. The variant is found in EPILEPSY,INFANT-EPI panel(s).

NM_001330078.2(NRXN1):c.23G>T (p.Arg8Leu)

Gene: NRXN1 (neurexin 1; minus strand). Cytogenetic location: 2p16.3.
Variant type: single nucleotide variant.
Coding change: c.23G>T on transcript NM_001330078.2 (MANE Select); coding-DNA position 23, G replaced by T.
Protein change: p.Arg8Leu; replaces arginine 8 with leucine.
Molecular consequence: missense variant.
Genome position (GRCh38, 1-based): chr2:51,028,251, C>A on the plus strand (G>T on the coding strand, the complement: NRXN1 is on the minus strand). VCF-style: chr2-51028251-C-A. GRCh37 (hg19) VCF-style: chr2-51255389-C-A.
Other names: p.R8L:CGC>CTC; c.23G>T, p.Arg8Leu (NM_001135659.3, NM_001330077.2, NM_001330079.2 and 15 more transcripts); short protein forms R8L.
Identifiers: ClinVar variation 206216 (VCV000206216.2), dbSNP rs796052765, ClinGen allele CA316081.